The following is an entry in ClinVar:

NM_000321.3(RB1):c.861+10C>G

Gene: RB1 (RB transcriptional corepressor 1; plus strand). Cytogenetic location: 13q14.2.
Variant type: single nucleotide variant.
Coding change: c.861+10C>G on transcript NM_000321.3 (MANE Select); 10 bases into the intron after coding-DNA position 861, C replaced by G.
Molecular consequence: intron variant.
Genome position (GRCh38, 1-based): chr13:48,362,967, C>G. VCF-style: chr13-48362967-C-G. GRCh37 (hg19) VCF-style: chr13-48937103-C-G.
Other names: c.861+10C>G (NM_001407165.1, NM_001407166.1).
Identifiers: ClinVar variation 3035042 (VCV003035042.5), dbSNP rs750481073, ClinGen allele CA039601.
Genomic context (GRCh38, chr13:48,362,967, plus strand): 5'-ACAAGAATTATTGAAGTTCTCTGTAAAGAACATGAATGTAATATAGATGAGGTAATTTAA[C>G]TTCATGATTTCTTTAAAACAGTTAAAGTAGATTTAGATGTAAGTTCTCCCTAACAATATT-3'

ClinVar aggregate classification (germline): Likely benign. Review status: criteria provided, multiple submitters, no conflicts (2 of 4 stars). 4 submissions from 4 submitters: Likely benign (3). 1 of the submissions does not count toward it. Last evaluated 2026-06-18.

Conditions:
RB1-related disorder. Also called: RB1-related condition.
Retinoblastoma (RB1). Also called: RETINOBLASTOMA, SOMATIC. Identifiers: Orphanet 790, MedGen C0035335, MeSH D012175, MONDO:0008380, OMIM 180200, HP:0009919. Disease mechanism: loss of function. Inheritance: Both sporadic and heritable forms are tested..

Allele frequency attached by ClinVar (database versions not stated): ExAC 0.00001; gnomAD exomes 0.00004.
gnomAD v4.1: 22 of 1,609,634 alleles (0.0014%); highest among the groups gnomAD compares: Middle Eastern, 0.35%; no homozygotes.

Submissions (4):

Myriad Genetics, Inc.
Classification: Likely benign for Retinoblastoma. Last evaluated: 2026-06-18. Review status: criteria provided, single submitter. Criteria: Myriad Autosomal Dominant, Autosomal Recessive and X-Linked Classification Criteria (2023). Collection method: clinical testing. Allele origin: unknown.
Comment: This variant is considered likely benign. This variant is intronic and is not expected to impact mRNA splicing.

Labcorp Genetics (formerly Invitae), Labcorp
Classification: Likely benign for Retinoblastoma. Last evaluated: 2025-12-23. Review status: criteria provided, single submitter. Criteria: Invitae Variant Classification Sherloc (09022015). Collection method: clinical testing. Allele origin: germline.

Blueprint Genetics
Classification: Likely benign. Last evaluated: 2023-09-01. Review status: criteria provided, single submitter. Criteria: ACMG Guidelines, 2015. Collection method: clinical testing. Allele origin: germline.

PreventionGenetics, part of Exact Sciences
Classification: Likely benign for RB1-related condition. Last evaluated: 2019-03-21. Review status: no assertion criteria provided. Collection method: clinical testing. Allele origin: germline. Not counted in ClinVar's aggregate classification.
Comment: This variant is classified as likely benign based on ACMG/AMP sequence variant interpretation guidelines (Richards et al. 2015 PMID: 25741868, with internal and published modifications).